The following is an entry in ClinVar:

ClinVar aggregate classification (germline): Conflicting classifications of pathogenicity. Review status: criteria provided, conflicting classifications (1 of 4 stars). 2 submissions from 2 submitters: Likely pathogenic (1); Uncertain significance (1). Last evaluated 2025-09-18.

Submissions (2):

Women's Health and Genetics/Laboratory Corporation of America, LabCorp
Classification: Uncertain significance. Last evaluated: 2025-09-18. Review status: criteria provided, single submitter. Criteria: LabCorp Variant Classification Summary - May 2015. Collection method: clinical testing. Allele origin: germline.
Comment: Variant summary: GJB2 c.95G>C (p.Arg32Pro) results in a non-conservative amino acid change in the encoded protein sequence. Algorithms developed to predict the effect of missense changes on protein structure and function all suggest that this variant is likely to be disruptive. The variant was absent in 250526 control chromosomes. To our knowledge, no occurrence of c.95G>C in individuals affected with GJB2-related conditions and no experimental evidence demonstrating its impact on protein function have been reported. Different variants affecting the same codon have been classified as likely pathogenic/pathogenic by our lab (c.94C>T, p.Arg32Cys; c.95G>A, p.Arg32His; c.95G>T, p.Arg32Leu), supporting the critical relevance of codon 32 to GJB2 protein function. ClinVar contains an entry for this variant (Variation ID: 4076581). Based on the evidence outlined above, the variant was classified as VUS-possibly pathogenic.

GeneDx
Classification: Likely pathogenic. Last evaluated: 2025-02-23. Review status: criteria provided, single submitter. Criteria: GeneDx Variant Classification Process June 2021. Collection method: clinical testing. Allele origin: germline. Affected: yes.
Comment: Not observed at significant frequency in large population cohorts (gnomAD); In silico analysis supports that this missense variant has a deleterious effect on protein structure/function; Has not been previously published as pathogenic or benign to our knowledge; This variant is associated with the following publications: (PMID: 11102979, 27067584, 27045574, 11493200, 15070423, 27792752, 31162818, 31160754, 33105617, 19157576)

NM_004004.6(GJB2):c.95G>C (p.Arg32Pro)

Gene: GJB2 (gap junction protein beta 2; minus strand). Cytogenetic location: 13q12.11.
Variant type: single nucleotide variant.
Coding change: c.95G>C on transcript NM_004004.6 (MANE Select); coding-DNA position 95, G replaced by C.
Protein change: p.Arg32Pro; replaces arginine 32 with proline.
Molecular consequence: missense variant.
Genome position (GRCh38, 1-based): chr13:20,189,487, C>G on the plus strand (G>C on the coding strand, the complement: GJB2 is on the minus strand). VCF-style: chr13-20189487-C-G. GRCh37 (hg19) VCF-style: chr13-20763626-C-G.
Other names: short protein forms R32P.
Identifiers: ClinVar variation 4076581 (VCV004076581.2).